The following is an entry in ClinVar:

ClinVar aggregate classification (germline): Likely benign. Review status: criteria provided, multiple submitters, no conflicts (2 of 4 stars). 5 submissions from 5 submitters: Likely benign (4). 1 of the submissions does not count toward it. Last evaluated 2026-06-06.

Conditions:
Hypertrophic cardiomyopathy 25 (CMH25). Also called: CARDIOMYOPATHY, FAMILIAL HYPERTROPHIC, 25. Identifiers: MedGen C4225408, MONDO:0011843, OMIM 607487.
Primary familial hypertrophic cardiomyopathy (HCM). Identifiers: Orphanet 99739, MedGen C0949658, MeSH D024741, MONDO:0024573. Inheritance: Various modes of inheritance.
Cardiovascular phenotype. Identifiers: MedGen CN230736.
Autosomal recessive limb-girdle muscular dystrophy type 2G (LGMDR7). Also called: MUSCULAR DYSTROPHY, LIMB-GIRDLE, AUTOSOMAL RECESSIVE 7; Telethoninopathy; Limb-girdle muscular dystrophy, type 2G. Identifiers: Orphanet 34514, MedGen C1866008, MONDO:0011170, OMIM 601954.
TCAP-related disorder. Also called: TCAP-related condition.

Allele frequency attached by ClinVar (database versions not stated): gnomAD exomes below 0.00001 and 0.00002; gnomAD 0.00002; TOPMed below 0.00001.

Submissions (5):

Ambry Genetics
Classification: Likely benign for Cardiovascular phenotype. Last evaluated: 2026-06-06. Review status: criteria provided, single submitter. Criteria: Ambry Variant Classification Scheme 2023. Collection method: clinical testing. Allele origin: germline.

Labcorp Genetics (formerly Invitae), Labcorp
Classification: Likely benign for Hypertrophic cardiomyopathy 25; Primary familial hypertrophic cardiomyopathy. Last evaluated: 2025-01-19. Review status: criteria provided, single submitter. Criteria: Invitae Variant Classification Sherloc (09022015). Collection method: clinical testing. Allele origin: germline.

Fulgent Genetics
Classification: Likely benign for Autosomal recessive limb-girdle muscular dystrophy type 2G; Hypertrophic cardiomyopathy 25. Last evaluated: 2021-09-29. Review status: criteria provided, single submitter. Criteria: ACMG Guidelines, 2015. Collection method: clinical testing. Allele origin: unknown.

GeneDx
Classification: Likely benign. Last evaluated: 2017-04-24. Review status: criteria provided, single submitter. Criteria: GeneDx Variant Classification (06012015). Collection method: clinical testing. Allele origin: germline. Affected: yes.
Comment: This variant is considered likely benign or benign based on one or more of the following criteria: it is a conservative change, it occurs at a poorly conserved position in the protein, it is predicted to be benign by multiple in silico algorithms, and/or has population frequency not consistent with disease.

PreventionGenetics, part of Exact Sciences
Classification: Likely benign for TCAP-related condition. Last evaluated: 2020-10-23. Review status: no assertion criteria provided. Collection method: clinical testing. Allele origin: germline. Not counted in ClinVar's aggregate classification.
Comment: This variant is classified as likely benign based on ACMG/AMP sequence variant interpretation guidelines (Richards et al. 2015 PMID: 25741868, with internal and published modifications).

NM_003673.4(TCAP):c.267G>A (p.Leu89=)

Gene: TCAP (titin-cap; plus strand). Cytogenetic location: 17q12.
Variant type: single nucleotide variant.
Coding change: c.267G>A on transcript NM_003673.4 (MANE Select); coding-DNA position 267, G replaced by A.
Protein change: p.Leu89=; no amino-acid change (leucine 89 retained).
Molecular consequence: synonymous variant.
Genome position (GRCh38, 1-based): chr17:39,665,872, G>A. VCF-style: chr17-39665872-G-A. GRCh37 (hg19) VCF-style: chr17-37822125-G-A.
Identifiers: ClinVar variation 509098 (VCV000509098.14), dbSNP rs1419129039, ClinGen allele CA499889149.